The following is an entry in ClinVar:

ClinVar aggregate classification (germline): Uncertain significance. Review status: criteria provided, multiple submitters, no conflicts (2 of 4 stars). 2 submissions from 2 submitters: Uncertain significance (2). Last evaluated 2025-10-15.

Conditions:
Melnick-Fraser syndrome (BOR). Also called: Branchio-oto-renal syndrome; Branchiootorenal syndrome; Branchiootorenal Syndrome (BORS). Identifiers: Orphanet 107, MedGen C0265234, MONDO:0007029.

gnomAD v4.1: 5 of 1,611,578 alleles (0.00031%); highest among the groups gnomAD compares: African/African-American, 0.0013%; no homozygotes.

Submissions (2):

Women's Health and Genetics/Laboratory Corporation of America, LabCorp
Classification: Uncertain significance. Last evaluated: 2025-10-15. Review status: criteria provided, single submitter. Criteria: LabCorp Variant Classification Summary - May 2015. Collection method: clinical testing. Allele origin: germline.
Comment: Variant summary: EYA1 c.1703C>T (p.Ala568Val) results in a non-conservative amino acid change in the encoded protein sequence. Algorithms developed to predict the effect of missense changes on protein structure and function all suggest that this variant is likely to be disruptive. The variant allele was found at a frequency of 8.1e-06 in 247312 control chromosomes. The available data on variant occurrences in the general population are insufficient to allow any conclusion about variant significance. To our knowledge, no occurrence of c.1703C>T in individuals affected with EYA1-related conditions and no experimental evidence demonstrating its impact on protein function have been reported. No submitters have cited clinical-significance assessments for this variant to ClinVar. Based on the evidence outlined above, the variant was classified as uncertain significance.

Labcorp Genetics (formerly Invitae), Labcorp
Classification: Uncertain significance for Melnick-Fraser syndrome. Last evaluated: 2025-08-23. Review status: criteria provided, single submitter. Criteria: Invitae Variant Classification Sherloc (09022015). Collection method: clinical testing. Allele origin: germline.
Comment: This sequence change replaces alanine, which is neutral and non-polar, with valine, which is neutral and non-polar, at codon 568 of the EYA1 protein (p.Ala568Val). The frequency data for this variant in the population databases is considered unreliable, as metrics indicate poor data quality at this position in the gnomAD database. This variant has not been reported in the literature in individuals affected with EYA1-related conditions. Invitae Evidence Modeling of protein sequence and biophysical properties (such as structural, functional, and spatial information, amino acid conservation, physicochemical variation, residue mobility, and thermodynamic stability) indicates that this missense variant is not expected to disrupt EYA1 protein function with a negative predictive value of 95%. In summary, the available evidence is currently insufficient to determine the role of this variant in disease. Therefore, it has been classified as a Variant of Uncertain Significance.

NM_000503.6(EYA1):c.1703C>T (p.Ala568Val)

Gene: EYA1 (EYA transcriptional coactivator and phosphatase 1; minus strand). Cytogenetic location: 8q13.3.
Variant type: single nucleotide variant.
Coding change: c.1703C>T on transcript NM_000503.6 (MANE Select); coding-DNA position 1703, C replaced by T.
Protein change: p.Ala568Val; replaces alanine 568 with valine.
Molecular consequence: missense variant.
Genome position (GRCh38, 1-based): chr8:71,199,416, G>A on the plus strand (C>T on the coding strand, the complement: EYA1 is on the minus strand). VCF-style: chr8-71199416-G-A. GRCh37 (hg19) VCF-style: chr8-72111651-G-A.
Other names: c.1685C>T, p.Ala562Val (NM_001288574.2, NM_172059.5); c.1337C>T, p.Ala446Val (NM_001288575.2); c.1790C>T, p.Ala597Val (NM_001370333.1); c.1703C>T, p.Ala568Val (NM_001370334.1, NM_001370335.1, NM_172058.4); c.1682C>T, p.Ala561Val (NM_001370336.1); c.1604C>T, p.Ala535Val (NM_001411797.1, NM_172060.4); short protein forms A446V, A535V, A561V, A562V, A568V, A597V.
Identifiers: ClinVar variation 4687273 (VCV004687273.2).